The following is an entry in ClinVar:

NM_001370658.1(BTD):c.582C>A (p.Asn194Lys)

Gene: BTD (biotinidase; plus strand). Cytogenetic location: 3p25.1.
Variant type: single nucleotide variant.
Coding change: c.582C>A on transcript NM_001370658.1 (MANE Select); coding-DNA position 582, C replaced by A.
Protein change: p.Asn194Lys; replaces asparagine 194 with lysine.
Molecular consequence: missense variant. On other transcripts: intron variant (6).
Genome position (GRCh38, 1-based): chr3:15,644,498, C>A. VCF-style: chr3-15644498-C-A. GRCh37 (hg19) VCF-style: chr3-15686005-C-A.
Other names: c.582C>A, p.Asn194Lys (NM_001407367.1, NM_001407368.1, NM_001407369.1 and 18 more transcripts); c.399+2441C>A (NM_001370753.1, NM_001407400.1, NM_001407401.1 and 3 more transcripts); short protein forms N194K.
Identifiers: ClinVar variation 4525733 (VCV004525733.2).

ClinVar aggregate classification (germline): Conflicting classifications of pathogenicity. Review status: criteria provided, conflicting classifications (1 of 4 stars). 2 submissions from 2 submitters: Likely pathogenic (1); Uncertain significance (1). Last evaluated 2025-11-16.

Conditions:
Biotinidase deficiency. Also called: BTD deficiency; Late-onset biotin-responsive multiple carboxylase deficiency; Biotin deficiency. Identifiers: Orphanet 79241, MedGen C0220754, MONDO:0009665, OMIM 253260.

Submissions (2):

Labcorp Genetics (formerly Invitae), Labcorp
Classification: Likely pathogenic for Biotinidase deficiency. Last evaluated: 2025-11-16. Review status: criteria provided, single submitter. Criteria: Invitae Variant Classification Sherloc (09022015). Collection method: clinical testing. Allele origin: germline.
Comment: This sequence change replaces asparagine, which is neutral and polar, with lysine, which is basic and polar, at codon 214 of the BTD protein (p.Asn214Lys). This variant is not present in population databases (gnomAD no frequency). This variant has not been reported in the literature in individuals affected with BTD-related conditions. Invitae Evidence Modeling of protein sequence and biophysical properties (such as structural, functional, and spatial information, amino acid conservation, physicochemical variation, residue mobility, and thermodynamic stability) indicates that this missense variant is expected to disrupt BTD protein function with a positive predictive value of 95%. This variant disrupts the p.Asn214 amino acid residue in BTD. Other variant(s) that disrupt this residue have been determined to be pathogenic (PMID: 25144890, 26361991, 29995633; internal data). This suggests that this residue is clinically significant, and that variants that disrupt this residue are likely to be disease-causing. In summary, the currently available evidence indicates that the variant is pathogenic, but additional data are needed to prove that conclusively. Therefore, this variant has been classified as Likely Pathogenic.

Women's Health and Genetics/Laboratory Corporation of America, LabCorp
Classification: Uncertain significance. Last evaluated: 2025-07-30. Review status: criteria provided, single submitter. Criteria: LabCorp Variant Classification Summary - May 2015. Collection method: clinical testing. Allele origin: germline.
Comment: Variant summary: BTD c.582C>A (p.Asn194Lys) results in a non-conservative amino acid change in the encoded protein sequence. Algorithms developed to predict the effect of missense changes on protein structure and function all suggest that this variant is likely to be disruptive. The variant was absent in 251486 control chromosomes. The available data on variant occurrences in the general population are insufficient to allow any conclusion about variant significance. To our knowledge, no occurrence of c.582C>A in individuals affected with Biotinidase Deficiency and no experimental evidence demonstrating its impact on protein function have been reported. No submitters have cited clinical-significance assessments for this variant to ClinVar. Based on the evidence outlined above, the variant was classified as uncertain significance.

Literature cited by the submitters: PubMed 25144890 (cited by Labcorp Genetics (formerly Invitae), Labcorp); PubMed 26361991 (cited by Labcorp Genetics (formerly Invitae), Labcorp); PubMed 29995633 (cited by Labcorp Genetics (formerly Invitae), Labcorp).